The following is an entry in ClinVar:

NM_001323289.2(CDKL5):c.605G>A (p.Gly202Glu)

Gene: CDKL5 (cyclin dependent kinase like 5; plus strand). Cytogenetic location: Xp22.13.
Variant type: single nucleotide variant.
Coding change: c.605G>A on transcript NM_001323289.2 (MANE Select); coding-DNA position 605, G replaced by A.
Protein change: p.Gly202Glu; replaces glycine 202 with glutamic acid.
Molecular consequence: missense variant.
Genome position (GRCh38, 1-based): chrX:18,588,004, G>A. VCF-style: chrX-18588004-G-A. GRCh37 (hg19) VCF-style: chrX-18606124-G-A.
Other names: c.605G>A, p.Gly202Glu (NM_001037343.2, NM_003159.3); c.605G>A (NM_003159.2); short protein forms G202E.
Identifiers: ClinVar variation 2136103 (VCV002136103.4), dbSNP rs2518857357, ClinGen allele CA412353226.

ClinVar aggregate classification (germline): Likely pathogenic. Review status: criteria provided, multiple submitters, no conflicts (2 of 4 stars). 2 submissions from 2 submitters: Likely pathogenic (2). Last evaluated 2023-01-13.

Conditions:
Developmental and epileptic encephalopathy, 2 (DEE2). Also called: INFANTILE SPASM SYNDROME, X-LINKED 2; CDKL5 deficiency disorder. Identifiers: Orphanet 1934, Orphanet 3451, Orphanet 505652, MedGen C4750718, MONDO:0010396, OMIM 300672.
Angelman syndrome-like. Identifiers: MedGen CN128785.

Submissions (2):

GeneDx
Classification: Likely pathogenic. Last evaluated: 2023-01-13. Review status: criteria provided, single submitter. Criteria: GeneDx Variant Classification Process June 2021. Collection method: clinical testing. Allele origin: germline. Affected: yes.
Comment: In silico analysis supports that this missense variant has a deleterious effect on protein structure/function; Not observed at significant frequency in large population cohorts (gnomAD); This variant is associated with the following publications: (PMID: 29264392)

Labcorp Genetics (formerly Invitae), Labcorp
Classification: Likely pathogenic for Developmental and epileptic encephalopathy, 2; Angelman syndrome-like. Last evaluated: 2022-04-28. Review status: criteria provided, single submitter. Criteria: Invitae Variant Classification Sherloc (09022015). Collection method: clinical testing. Allele origin: germline.
Comment: In summary, the currently available evidence indicates that the variant is pathogenic, but additional data are needed to prove that conclusively. Therefore, this variant has been classified as Likely Pathogenic. This variant disrupts the p.Gly202 amino acid residue in CDKL5. Other variant(s) that disrupt this residue have been determined to be pathogenic (Invitae). This suggests that this residue is clinically significant, and that variants that disrupt this residue are likely to be disease-causing. Advanced modeling of protein sequence and biophysical properties (such as structural, functional, and spatial information, amino acid conservation, physicochemical variation, residue mobility, and thermodynamic stability) performed at Invitae indicates that this missense variant is expected to disrupt CDKL5 protein function. This missense change has been observed in individual(s) with clinical features of CDKL5-related conditions (PMID: 29264392). This variant is not present in population databases (gnomAD no frequency). This sequence change replaces glycine, which is neutral and non-polar, with glutamic acid, which is acidic and polar, at codon 202 of the CDKL5 protein (p.Gly202Glu).

Literature cited by the submitters: PubMed 29264392 (cited by Labcorp Genetics (formerly Invitae), Labcorp).